The following is an entry in ClinVar:

ClinVar aggregate classification (germline): Pathogenic (1 of 4 stars; one submission).

Submission:

GeneDx
Classification: Pathogenic. Last evaluated: 2019-11-13. Review status: criteria provided, single submitter. Criteria: GeneDx Variant Classification Process June 2021. Collection method: clinical testing. Allele origin: germline. Affected: yes.
Comment: Nonsense variant predicted to result in protein truncation or nonsense mediated decay in a gene for which loss-of-function is a known mechanism of disease; Not observed in large population cohorts (Lek et al., 2016); Has not been previously published as pathogenic or benign to our knowledge

NM_001378120.1(MBD5):c.601C>T (p.Gln201Ter)

Gene: MBD5 (methyl-CpG binding domain protein 5; plus strand). Cytogenetic location: 2q23.1.
Variant type: single nucleotide variant.
Coding change: c.601C>T on transcript NM_001378120.1 (MANE Select); coding-DNA position 601, C replaced by T.
Protein change: p.Gln201Ter; replaces glutamine 201 with a stop codon.
Molecular consequence: nonsense.
Genome position (GRCh38, 1-based): chr2:148,468,544, C>T. VCF-style: chr2-148468544-C-T. GRCh37 (hg19) VCF-style: chr2-149226113-C-T.
Other names: c.601C>T, p.Gln201Ter (NM_018328.5); short protein forms Q201*.
Identifiers: ClinVar variation 620346 (VCV000620346.3), dbSNP rs200287454, ClinGen allele CA348717151.
Genomic context (GRCh38, chr2:148,468,544, plus strand): 5'-CTATATGTACAAGAACTGCCTGGAAGCCAACAACAAGAACTCCACCCTGTCTACCCCCGA[C>T]AGAGATTGGGCAGCAGTGAACATGGACAGAAATCTCCATTCCGTGGCAGCCATGGAGGCC-3'